The following is an entry in ClinVar:

ClinVar aggregate classification (germline): Uncertain significance (1 of 4 stars; one submission).

Conditions:
Hereditary nonpolyposis colorectal neoplasms. Identifiers: MedGen C0009405, MeSH D003123.

Submission:

Labcorp Genetics (formerly Invitae), Labcorp
Classification: Uncertain significance for Hereditary nonpolyposis colorectal neoplasms. Last evaluated: 2024-11-06. Review status: criteria provided, single submitter. Criteria: Invitae Variant Classification Sherloc (09022015). Collection method: clinical testing. Allele origin: germline.
Comment: This sequence change replaces serine, which is neutral and polar, with tryptophan, which is neutral and slightly polar, at codon 79 of the MSH6 protein (p.Ser79Trp). This variant is not present in population databases (gnomAD no frequency). This variant has not been reported in the literature in individuals affected with MSH6-related conditions. Invitae Evidence Modeling of protein sequence and biophysical properties (such as structural, functional, and spatial information, amino acid conservation, physicochemical variation, residue mobility, and thermodynamic stability) indicates that this missense variant is not expected to disrupt MSH6 protein function with a negative predictive value of 95%. In summary, the available evidence is currently insufficient to determine the role of this variant in disease. Therefore, it has been classified as a Variant of Uncertain Significance.

NM_000179.3(MSH6):c.236C>G (p.Ser79Trp)

Gene: MSH6 (mutS homolog 6; plus strand). Cytogenetic location: 2p16.3.
Variant type: single nucleotide variant.
Coding change: c.236C>G on transcript NM_000179.3 (MANE Select); coding-DNA position 236, C replaced by G.
Protein change: p.Ser79Trp; replaces serine 79 with tryptophan.
Molecular consequence: missense variant. On other transcripts: 5 prime UTR variant (7), non-coding transcript variant (5), intron variant (5).
Genome position (GRCh38, 1-based): chr2:47,783,469, C>G. VCF-style: chr2-47783469-C-G. GRCh37 (hg19) VCF-style: chr2-48010608-C-G.
Other names: c.236C>G, p.Ser79Trp (NM_001281492.2, NM_001406795.1, NM_001406813.1 and 9 more transcripts); c.-501C>G (NM_001281493.2, NM_001406811.1); c.-348C>G (NM_001406812.1); c.-759C>G (NM_001406814.1); c.-304C>G (NM_001406816.1); c.-38+238C>G (NM_001406805.1, NM_001406797.1, NM_001406801.1); c.-69+238C>G (NM_001406806.1); c.-280+238C>G (NM_001406815.1); and 3 more; short protein forms R61G, S79W.
Identifiers: ClinVar variation 3618050 (VCV003618050.2).